The following is an entry in ClinVar:

NM_033641.4(COL4A6):c.853GAAAAGGGA[4] (p.285EKG[4])

Gene: COL4A6 (collagen type IV alpha 6 chain; minus strand). Cytogenetic location: Xq22.3.
Variant type: Microsatellite.
Coding change: c.853GAAAAGGGA[4] on transcript NM_033641.4 (MANE Select); four copies in a row of the 9-base unit GAAAAGGGA starting at c.853; the reference has three copies in a row; one copy, 9 bases duplicated.
Protein change: p.285EKG[4].
Molecular consequence: inframe insertion.
Genome position (GRCh38, 1-based): chrX:108,196,535-108,196,543, TCCCTTTTC duplicated on the plus strand (GAAAAGGGA on the coding strand, the reverse complement: COL4A6 is on the minus strand); duplicating any 9 consecutive bases within chrX:108,196,535-108,196,564 gives the same sequence; the position shown is the placement nearest the transcript's 3' end. VCF-style (leftmost placement, unchanged base first): chrX-108196534-T-TTCCCTTTTC. GRCh37 (hg19) VCF-style: chrX-107439764-T-TTCCCTTTTC.
Other names: c.874_882dup9 (NM_001847.3); c.853GAAAAGGGA[4], p.285EKG[4] (NM_001287758.2, NM_001287759.2, NM_001287760.2); c.856GAAAAGGGA[4], p.286EKG[4] (NM_001847.4).
Identifiers: ClinVar variation 680399 (VCV000680399.10), dbSNP rs772506311, ClinGen allele CA10487969.
Genomic context (GRCh38, chrX:108,196,534, plus strand): 5'-TTGACAGACCCAGGCAAGTAACATTCGAGGTTCATACCCTAGGTCCTGGCAAACCAGGGA[T>TTCCCTTTTC]TCCCTTTTCTCCCTTTTCTCCCTTTTCTCCAGTAGTTCCAAGGCCCTAAATGAAAAAAGA-3'

ClinVar aggregate classification (germline): Likely benign. Review status: criteria provided, multiple submitters, no conflicts (2 of 4 stars). 4 submissions from 4 submitters: Likely benign (4). Last evaluated 2025-05-09.

Conditions:
COL4A6-related disorder. Also called: COL4A6-related condition.

Submissions (4):

Labcorp Genetics (formerly Invitae), Labcorp
Classification: Likely benign. Last evaluated: 2025-05-09. Review status: criteria provided, single submitter. Criteria: Invitae Variant Classification Sherloc (09022015). Collection method: clinical testing. Allele origin: germline.

PreventionGenetics, part of Exact Sciences
Classification: Likely benign for COL4A6-related condition. Last evaluated: 2024-12-09. Review status: criteria provided, single submitter. Criteria: ACMG Guidelines, 2015. Collection method: clinical testing. Allele origin: germline.
Comment: This variant is classified as likely benign based on ACMG/AMP sequence variant interpretation guidelines (Richards et al. 2015 PMID: 25741868, with internal and published modifications).

Blueprint Genetics
Classification: Likely benign. Last evaluated: 2024-07-11. Review status: criteria provided, single submitter. Criteria: ACMG Guidelines, 2015. Collection method: clinical testing. Allele origin: germline.

GeneDx
Classification: Likely benign. Last evaluated: 2018-03-28. Review status: criteria provided, single submitter. Criteria: GeneDx Variant Classification (06012015). Collection method: clinical testing. Allele origin: germline. Affected: yes.
Comment: This variant is considered likely benign or benign based on one or more of the following criteria: it is a conservative change, it occurs at a poorly conserved position in the protein, it is predicted to be benign by multiple in silico algorithms, and/or has population frequency not consistent with disease.